The following is an entry in ClinVar:

NM_000179.3(MSH6):c.3802-18_3802-16dup

Gene: MSH6 (mutS homolog 6; plus strand). Cytogenetic location: 2p16.3.
Variant type: Duplication.
Coding change: c.3802-18_3802-16dup on transcript NM_000179.3 (MANE Select); 18 bases into the intron before coding-DNA position 3802 through 16 bases into the intron before coding-DNA position 3802, 3 bases duplicated (ATA; older notation c.3802-18_3802-16dupATA).
Molecular consequence: intron variant.
Genome position (GRCh38, 1-based): chr2:47,806,434-47,806,436, ATA duplicated; duplicating any 3 consecutive bases within chr2:47,806,432-47,806,436 gives the same sequence; the c. name uses the placement nearest the transcript's 3' end. VCF-style (leftmost placement, unchanged base first): chr2-47806431-C-CTAA. GRCh37 (hg19) VCF-style: chr2-48033570-C-CTAA.
Other names: c.2896-18_2896-16dup (NM_001281493.2, NM_001281494.2); c.3412-18_3412-16dup (NM_001281492.2).
Identifiers: ClinVar variation 1735076 (VCV001735076.4), dbSNP rs2530853214, ClinGen allele CA2576961613.

ClinVar aggregate classification (germline): Conflicting classifications of pathogenicity. Review status: criteria provided, conflicting classifications (1 of 4 stars). 2 submissions from 2 submitters: Uncertain significance (1); Benign (1). Last evaluated 2026-03-05.

Conditions:
Lynch syndrome 5 (LYNCH5). Also called: Colorectal cancer, hereditary nonpolyposis, type 5; Hereditary non-polyposis colorectal cancer, type 5. Identifiers: Orphanet 144, MedGen C1833477, MONDO:0013710, OMIM 614350. Disease mechanism: loss of function.
Hereditary cancer-predisposing syndrome. Also called: Tumor predisposition; Hereditary Cancer Syndrome; Hereditary neoplastic syndrome; Neoplastic Syndromes, Hereditary. Identifiers: Orphanet 140162, MedGen C0027672, MeSH D009386, MONDO:0015356.

Submissions (2):

Ambry Genetics
Classification: Uncertain significance for Hereditary cancer-predisposing syndrome. Last evaluated: 2026-03-05. Review status: criteria provided, single submitter. Criteria: Ambry Variant Classification Scheme 2023. Collection method: clinical testing. Allele origin: germline.
Comment: The c.3802-18_3802-16dupATA intronic variant begins 16 nucleotides before coding exon 9 in the MSH6 gene. This variant results from a duplication of 3 nucleotides at positions c.3802-18 to c.3802-16. This nucleotide region is well conserved in available vertebrate species. In silico splice site analysis for this alteration is inconclusive. Based on the available evidence, the clinical significance of this variant remains unclear.

Myriad Genetics, Inc.
Classification: Benign for Lynch syndrome 5. Last evaluated: 2025-01-08. Review status: criteria provided, single submitter. Criteria: Myriad Autosomal Dominant, Autosomal Recessive and X-Linked Classification Criteria (2023). Collection method: clinical testing. Allele origin: unknown.
Comment: This variant is considered benign. This variant is intronic and is not expected to impact mRNA splicing.